The following is an entry in ClinVar:

ClinVar aggregate classification (germline): Likely benign (0 of 4 stars; one submission).

Conditions:
TOPBP1-related disorder. Also called: TOPBP1-related condition.

Allele frequency attached by ClinVar (database versions not stated): gnomAD exomes 0.00007; 1000 Genomes Project 30x 0.00016; 1000 Genomes Project 0.00020; ExAC 0.00031; gnomAD 0.00036; TOPMed 0.00049; ESP Exome Variant Server 0.00068.
gnomAD v4.1: 161 of 1,600,134 alleles (0.01%); highest among the groups gnomAD compares: African/African-American, 0.11%; no homozygotes.

Submission:

PreventionGenetics, part of Exact Sciences
Classification: Likely benign for TOPBP1-related condition. Last evaluated: 2019-06-03. Review status: no assertion criteria provided. Collection method: clinical testing. Allele origin: germline.
Comment: This variant is classified as likely benign based on ACMG/AMP sequence variant interpretation guidelines (Richards et al. 2015 PMID: 25741868, with internal and published modifications).

NM_007027.4(TOPBP1):c.195C>T (p.Gly65=)

Gene: TOPBP1 (DNA topoisomerase II binding protein 1; minus strand). Cytogenetic location: 3q22.1.
Variant type: single nucleotide variant.
Coding change: c.195C>T on transcript NM_007027.4 (MANE Select); coding-DNA position 195, C replaced by T.
Protein change: p.Gly65=; no amino-acid change (glycine 65 retained).
Molecular consequence: synonymous variant.
Genome position (GRCh38, 1-based): chr3:133,659,040, G>A on the plus strand (C>T on the coding strand, the complement: TOPBP1 is on the minus strand). VCF-style: chr3-133659040-G-A. GRCh37 (hg19) VCF-style: chr3-133377884-G-A.
Other names: c.195C>T, p.Gly65= (NM_001363889.2).
Identifiers: ClinVar variation 3044837 (VCV003044837.2), dbSNP rs61747713, ClinGen allele CA2624761.